The following is an entry in ClinVar:

NM_015450.3(POT1):c.125A>T (p.Asp42Val)

Gene: POT1 (protection of telomeres 1; minus strand). Cytogenetic location: 7q31.33.
Variant type: single nucleotide variant.
Coding change: c.125A>T on transcript NM_015450.3 (MANE Select); coding-DNA position 125, A replaced by T.
Protein change: p.Asp42Val; replaces aspartic acid 42 with valine.
Molecular consequence: missense variant. On other transcripts: non-coding transcript variant (3), intron variant (1).
Genome position (GRCh38, 1-based): chr7:124,871,041, T>A on the plus strand (A>T on the coding strand, the complement: POT1 is on the minus strand). VCF-style: chr7-124871041-T-A. GRCh37 (hg19) VCF-style: chr7-124511095-T-A.
Other names: c.-138-7401A>T (NM_001042594.2); short protein forms D42V.
Identifiers: ClinVar variation 3691934 (VCV003691934.2).

ClinVar aggregate classification (germline): Uncertain significance (1 of 4 stars; one submission).

Conditions:
Tumor predisposition syndrome 3 (TPDS3). Also called: Glioma susceptibility 9; LONG TELOMERE SYNDROME, POT1-RELATED; POT1 Tumor Predisposition; Melanoma, cutaneous malignant, susceptibility to, 10. Identifiers: Orphanet 618, MedGen C4014476, MONDO:0014368, OMIM 615848.

Submission:

Labcorp Genetics (formerly Invitae), Labcorp
Classification: Uncertain significance for Tumor predisposition syndrome 3. Last evaluated: 2025-11-19. Review status: criteria provided, single submitter. Criteria: Invitae Variant Classification Sherloc (09022015). Collection method: clinical testing. Allele origin: germline.
Comment: This sequence change replaces aspartic acid, which is acidic and polar, with valine, which is neutral and non-polar, at codon 42 of the POT1 protein (p.Asp42Val). This variant is not present in population databases (gnomAD no frequency). This variant has not been reported in the literature in individuals affected with POT1-related conditions. ClinVar contains an entry for this variant (Variation ID: 3691934). An algorithm developed to predict the effect of missense changes on protein structure and function (PolyPhen-2) suggests that this variant is likely to be disruptive. Algorithms developed to predict the effect of sequence changes on RNA splicing suggest that this variant may disrupt the consensus splice site. This variant disrupts the p.Asp42 amino acid residue in POT1. Other variant(s) that disrupt this residue have been determined to be pathogenic (external communication, internal data). This suggests that this residue is clinically significant, and that variants that disrupt this residue are likely to be disease-causing. In summary, the available evidence is currently insufficient to determine the role of this variant in disease. Therefore, it has been classified as a Variant of Uncertain Significance.